The following is an entry in ClinVar:

NM_000170.3(GLDC):c.547del (p.Val183fs)

Gene: GLDC (glycine decarboxylase; minus strand). Cytogenetic location: 9p24.1.
Variant type: Deletion.
Coding change: c.547del on transcript NM_000170.3 (MANE Select); coding-DNA position 547, one base deleted (G; older notation c.547delG).
Protein change: p.Val183fs; shifts the reading frame from valine 183.
Molecular consequence: frameshift variant.
Genome position (GRCh38, 1-based): chr9:6,610,280, C deleted on the plus strand (G on the coding strand, the reverse complement: GLDC is on the minus strand); the first of 2 consecutive C bases (chr9:6,610,280-6,610,281); deleting either gives the same sequence. VCF-style (leftmost placement, unchanged base first): chr9-6610279-AC-A. GRCh37 (hg19) VCF-style: chr9-6610279-AC-A.
Other names: short protein forms V183fs.
Identifiers: ClinVar variation 2735257 (VCV002735257.3), dbSNP rs374968310, ClinGen allele CA2695210476.

ClinVar aggregate classification (germline): Pathogenic (1 of 4 stars; one submission).

Conditions:
Glycine encephalopathy. Also called: Nonketotic hyperglycinemia; Non-ketotic hyperglycinemia. Identifiers: Orphanet 407, MedGen C0751748, MONDO:0011612, HP:0008288.

Submission:

Labcorp Genetics (formerly Invitae), Labcorp
Classification: Pathogenic for Glycine encephalopathy. Last evaluated: 2024-01-03. Review status: criteria provided, single submitter. Criteria: Invitae Variant Classification Sherloc (09022015). Collection method: clinical testing. Allele origin: germline.
Comment: This sequence change creates a premature translational stop signal (p.Val183Cysfs*48) in the GLDC gene. It is expected to result in an absent or disrupted protein product. Loss-of-function variants in GLDC are known to be pathogenic (PMID: 16601880). This variant is not present in population databases (gnomAD no frequency). This premature translational stop signal has been observed in individual(s) with clinical features of glycine encephalopathy (PMID: 27362913). For these reasons, this variant has been classified as Pathogenic.

Literature cited by the submitters: PubMed 16601880; PubMed 27362913.